The following is an entry in ClinVar:

ClinVar aggregate classification (germline): Uncertain significance. Review status: criteria provided, multiple submitters, no conflicts (2 of 4 stars). 2 submissions from 2 submitters: Uncertain significance (2). Last evaluated 2025-12-08.

Conditions:
Hypertrophic cardiomyopathy. Also called: HYPERTROPHIC MYOCARDIOPATHY. Identifiers: Orphanet 217569, MedGen C0007194, MeSH D002312, MONDO:0005045, HP:0001639.

gnomAD v4.1: 1 of 1,605,138 alleles (0.000062%); highest among the groups gnomAD compares: East Asian, 0.0022%; no homozygotes.

Submissions (2):

Labcorp Genetics (formerly Invitae), Labcorp
Classification: Uncertain significance for Hypertrophic cardiomyopathy. Last evaluated: 2025-12-08. Review status: criteria provided, single submitter. Criteria: Invitae Variant Classification Sherloc (09022015). Collection method: clinical testing. Allele origin: germline.
Comment: This sequence change replaces aspartic acid, which is acidic and polar, with glutamic acid, which is acidic and polar, at codon 1198 of the MYH7 protein (p.Asp1198Glu). This variant is not present in population databases (gnomAD no frequency). This variant has not been reported in the literature in individuals affected with MYH7-related conditions. ClinVar contains an entry for this variant (Variation ID: 3377889). Invitae Evidence Modeling of protein sequence and biophysical properties (such as structural, functional, and spatial information, amino acid conservation, physicochemical variation, residue mobility, and thermodynamic stability) indicates that this missense variant is expected to disrupt MYH7 protein function with a positive predictive value of 95%. In summary, the available evidence is currently insufficient to determine the role of this variant in disease. Therefore, it has been classified as a Variant of Uncertain Significance.

GeneDx
Classification: Uncertain significance. Last evaluated: 2024-05-17. Review status: criteria provided, single submitter. Criteria: GeneDx Variant Classification Process June 2021. Collection method: clinical testing. Allele origin: germline. Affected: yes.
Comment: Not observed at significant frequency in large population cohorts (gnomAD); In silico analysis supports that this missense variant has a deleterious effect on protein structure/function; Has not been previously published as pathogenic or benign to our knowledge

NM_000257.4(MYH7):c.3594C>G (p.Asp1198Glu)

Gene: MYH7 (myosin heavy chain 7; minus strand). Cytogenetic location: 14q11.2.
Variant type: single nucleotide variant.
Coding change: c.3594C>G on transcript NM_000257.4 (MANE Select); coding-DNA position 3594, C replaced by G.
Protein change: p.Asp1198Glu; replaces aspartic acid 1198 with glutamic acid.
Molecular consequence: missense variant.
Genome position (GRCh38, 1-based): chr14:23,419,977, G>C on the plus strand (C>G on the coding strand, the complement: MYH7 is on the minus strand). VCF-style: chr14-23419977-G-C. GRCh37 (hg19) VCF-style: chr14-23889186-G-C.
Other names: c.3594C>G, p.Asp1198Glu (NM_001407004.1); short protein forms D1198E.
Identifiers: ClinVar variation 3377889 (VCV003377889.2).